The following is an entry in ClinVar:

ClinVar aggregate classification (germline): Uncertain significance (1 of 4 stars; one submission).

Conditions:
Long QT syndrome (LQTS). Identifiers: MedGen C0023976, MeSH D008133, MONDO:0002442. Disease mechanism: loss of function. Inheritance: Various modes of inheritance.

Submission:

Labcorp Genetics (formerly Invitae), Labcorp
Classification: Uncertain significance for Long QT syndrome. Last evaluated: 2022-04-18. Review status: criteria provided, single submitter. Criteria: Invitae Variant Classification Sherloc (09022015). Collection method: clinical testing. Allele origin: germline.
Comment: In summary, the available evidence is currently insufficient to determine the role of this variant in disease. Therefore, it has been classified as a Variant of Uncertain Significance. Algorithms developed to predict the effect of missense changes on protein structure and function are either unavailable or do not agree on the potential impact of this missense change (SIFT: "Tolerated"; PolyPhen-2: "Possibly Damaging"; Align-GVGD: "Class C0"). This variant has not been reported in the literature in individuals affected with ANK2-related conditions. This variant is not present in population databases (gnomAD no frequency). This sequence change replaces aspartic acid, which is acidic and polar, with asparagine, which is neutral and polar, at codon 2185 of the ANK2 protein (p.Asp2185Asn).

NM_001148.6(ANK2):c.6553G>A (p.Asp2185Asn)

Gene: ANK2 (ankyrin 2; plus strand). Cytogenetic location: 4q26.
Variant type: single nucleotide variant.
Coding change: c.6553G>A on transcript NM_001148.6 (MANE Select); coding-DNA position 6553, G replaced by A.
Protein change: p.Asp2185Asn; replaces aspartic acid 2185 with asparagine.
Molecular consequence: missense variant. On other transcripts: intron variant (68).
Genome position (GRCh38, 1-based): chr4:113,355,171, G>A. VCF-style: chr4-113355171-G-A. GRCh37 (hg19) VCF-style: chr4-114276327-G-A.
Other names: c.4396+4922G>A (NM_001354239.2, NM_001354252.2); c.4297+4922G>A (NM_001354272.2); c.4360+4922G>A (NM_001354244.2, NM_001354256.2, NM_001386161.1); c.4399+4922G>A (NM_001127493.3); c.4363+4922G>A (NM_001386143.1, NM_001354243.2, NM_001354255.2); c.4264+4922G>A (NM_001354262.2, NM_001354275.2, NM_001354245.2); c.4201+4922G>A (NM_001354253.2, NM_001354270.2); c.4165+4922G>A (NM_001354257.2, NM_001386156.1); and 35 more; short protein forms D2185N, D2232N, D2107N, D2224N, D985N.
Identifiers: ClinVar variation 1401167 (VCV001401167.6), dbSNP rs2154022736, ClinGen allele CA357924311.